The following is an entry in ClinVar:

ClinVar aggregate classification (germline): Uncertain significance. Review status: criteria provided, multiple submitters, no conflicts (2 of 4 stars). 6 submissions from 6 submitters: Uncertain significance (5). 1 of the submissions does not count toward it. Last evaluated 2026-02-16.

Conditions:
Duchenne muscular dystrophy (DMD). Also called: MUSCULAR DYSTROPHY, PSEUDOHYPERTROPHIC PROGRESSIVE, DUCHENNE TYPE; Duchenne Muscular Dystrophy (DMD). Identifiers: Orphanet 98896, MedGen C0013264, MONDO:0010679, OMIM 310200.
Cardiomyopathy (CMYO). Also called: Cardiomyopathies. Identifiers: Orphanet 167848, MedGen C0878544, MONDO:0004994, HP:0001638. Inheritance: Various modes of inheritance.
Dystrophin deficiency.
Becker muscular dystrophy (BMD). Also called: MUSCULAR DYSTROPHY, PSEUDOHYPERTROPHIC PROGRESSIVE, BECKER TYPE; Becker Muscular Dystrophy (BMD). Identifiers: Orphanet 98895, MedGen C0917713, MONDO:0010311, OMIM 300376.
Cardiovascular phenotype. Identifiers: MedGen CN230736.

Allele frequency attached by ClinVar (database versions not stated): ExAC below 0.00001; gnomAD exomes below 0.00001; TOPMed 0.00001.
gnomAD v4.1: 6 of 1,208,765 alleles (0.0005%); highest among the groups gnomAD compares: Non-Finnish European, 0.00056%; no homozygotes.

Submissions (6):

Ambry Genetics
Classification: Uncertain significance for Cardiovascular phenotype. Last evaluated: 2026-02-16. Review status: criteria provided, single submitter. Criteria: Ambry Variant Classification Scheme 2023. Collection method: clinical testing. Allele origin: germline.
Comment: The c.902A>G (p.Y301C) alteration is located in exon 9 (coding exon 9) of the DMD gene. This alteration results from a A to G substitution at nucleotide position 902, causing the tyrosine (Y) at amino acid position 301 to be replaced by a cysteine (C). Based on data from gnomAD, the G allele has an overall frequency of <0.001% (0/179100) total alleles studied. The highest observed frequency was <0.001% (/) of alleles. Based on insufficient or conflicting evidence, the clinical significance of this alteration remains unclear.

GeneDx
Classification: Uncertain significance. Last evaluated: 2024-07-22. Review status: criteria provided, single submitter. Criteria: GeneDx Variant Classification Process June 2021. Collection method: clinical testing. Allele origin: germline. Affected: yes.
Comment: Has not been previously published as pathogenic or benign to our knowledge; In silico analysis supports that this missense variant does not alter protein structure/function

Labcorp Genetics (formerly Invitae), Labcorp
Classification: Uncertain significance for Duchenne muscular dystrophy. Last evaluated: 2024-04-14. Review status: criteria provided, single submitter. Criteria: Invitae Variant Classification Sherloc (09022015). Collection method: clinical testing. Allele origin: germline.
Comment: This sequence change replaces tyrosine, which is neutral and polar, with cysteine, which is neutral and slightly polar, at codon 301 of the DMD protein (p.Tyr301Cys). This variant is not present in population databases (gnomAD no frequency). This variant has not been reported in the literature in individuals affected with DMD-related conditions. ClinVar contains an entry for this variant (Variation ID: 493511). Advanced modeling of protein sequence and biophysical properties (such as structural, functional, and spatial information, amino acid conservation, physicochemical variation, residue mobility, and thermodynamic stability) performed at Invitae indicates that this missense variant is not expected to disrupt DMD protein function with a negative predictive value of 95%. In summary, the available evidence is currently insufficient to determine the role of this variant in disease. Therefore, it has been classified as a Variant of Uncertain Significance.

Blueprint Genetics
Classification: Uncertain significance. Last evaluated: 2024-02-09. Review status: criteria provided, single submitter. Criteria: ACMG Guidelines, 2015. Collection method: clinical testing. Allele origin: germline.

CeGaT Center for Human Genetics Tuebingen
Classification: Uncertain significance. Last evaluated: 2017-09-01. Review status: criteria provided, single submitter. Criteria: CeGaT Center For Human Genetics Tuebingen Variant Classification Criteria Version 2. Collection method: clinical testing. Allele origin: germline. Affected: yes. Observed: 1 variant allele.

Natera, Inc.
Classification: Uncertain significance for Becker muscular dystrophy; Cardiomyopathy; Duchenne muscular dystrophy; Dystrophin deficiency. Last evaluated: 2019-08-12. Review status: no assertion criteria provided. Collection method: clinical testing. Allele origin: germline. Not counted in ClinVar's aggregate classification.

NM_004006.3(DMD):c.902A>G (p.Tyr301Cys)

Gene: DMD (dystrophin; minus strand). Cytogenetic location: Xp21.1.
Variant type: single nucleotide variant.
Coding change: c.902A>G on transcript NM_004006.3 (MANE Select); coding-DNA position 902, A replaced by G.
Protein change: p.Tyr301Cys; replaces tyrosine 301 with cysteine.
Molecular consequence: missense variant.
Genome position (GRCh38, 1-based): chrX:32,697,928, T>C on the plus strand (A>G on the coding strand, the complement: DMD is on the minus strand). VCF-style: chrX-32697928-T-C. GRCh37 (hg19) VCF-style: chrX-32716045-T-C.
Other names: c.878A>G, p.Tyr293Cys (NM_000109.4); c.890A>G, p.Tyr297Cys (NM_004009.3); c.533A>G, p.Tyr178Cys (NM_004010.3); short protein forms Y301C, Y293C, Y178C, Y297C.
Identifiers: ClinVar variation 493511 (VCV000493511.52), dbSNP rs769658853, ClinGen allele CA10380034.
Genomic context (GRCh38, chrX:32,697,928, plus strand): 5'-ACCTGTGAAGGAAATGGGCTCCGTGTAGGGTCAGAGGTGGTGACATAAGCAGCCTGTGTG[T>C]AGGCATAGCTCTTGAATCGAGGCTTAGGGGAAGAAGTTCTCTCATATCCCTGTGCTAGAC-3'
Protein context (NP_003997.2, residues 291-311): SPKPRFKSYA[Tyr301Cys]TQAAYVTTSD